The following is an entry in ClinVar:

ClinVar aggregate classification (germline): Uncertain significance (1 of 4 stars; one submission).

Conditions:
Hereditary cancer-predisposing syndrome. Also called: Tumor predisposition; Neoplastic Syndromes, Hereditary; Hereditary neoplastic syndrome; Hereditary Cancer Syndrome. Identifiers: Orphanet 140162, MedGen C0027672, MeSH D009386, MONDO:0015356.

Submission:

Ambry Genetics
Classification: Uncertain significance for Hereditary cancer-predisposing syndrome. Last evaluated: 2025-08-27. Review status: criteria provided, single submitter. Criteria: Ambry Variant Classification Scheme 2023. Collection method: clinical testing. Allele origin: germline.
Comment: The p.P48L variant (also known as c.143C>T), located in coding exon 2 of the MUTYH gene, results from a C to T substitution at nucleotide position 143. The proline at codon 48 is replaced by leucine, an amino acid with similar properties. This amino acid position is conserved. In addition, this alteration is predicted to be tolerated by in silico analysis. Based on the available evidence, the clinical significance of this variant remains unclear.

NM_001048174.2(MUTYH):c.101C>T (p.Pro34Leu)

Gene: MUTYH (mutY DNA glycosylase; minus strand). Cytogenetic location: 1p34.1.
Variant type: single nucleotide variant.
Coding change: c.101C>T on transcript NM_001048174.2 (MANE Select); coding-DNA position 101, C replaced by T.
Protein change: p.Pro34Leu; replaces proline 34 with leucine.
Molecular consequence: missense variant. On other transcripts: 5 prime UTR variant (7), non-coding transcript variant (7).
Genome position (GRCh38, 1-based): chr1:45,334,405, G>A on the plus strand (C>T on the coding strand, the complement: MUTYH is on the minus strand). VCF-style: chr1-45334405-G-A. GRCh37 (hg19) VCF-style: chr1-45800077-G-A.
Other names: c.101C>T, p.Pro34Leu (NM_001048171.2, NM_001048172.2, NM_001048173.2 and 15 more transcripts); c.143C>T, p.Pro48Leu (NM_001128425.2, NM_001293190.2, NM_001407069.1 and 2 more transcripts); c.-112C>T (NM_001293192.2, NM_001293196.2, NM_001407091.1); c.-171C>T (NM_001350650.2); c.-107C>T (NM_001350651.2, NM_001407082.1); c.-56C>T (NM_001407075.1); c.119C>T, p.Pro40Leu (NM_001407087.1); short protein forms P48L, P40L, P34L.
Identifiers: ClinVar variation 4113249 (VCV004113249.1).